The following is an entry in ClinVar:

NM_015272.5(RPGRIP1L):c.884A>C (p.Lys295Thr)

Gene: RPGRIP1L (RPGRIP1 like; minus strand). Cytogenetic location: 16q12.2.
Variant type: single nucleotide variant.
Coding change: c.884A>C on transcript NM_015272.5 (MANE Select); coding-DNA position 884, A replaced by C.
Protein change: p.Lys295Thr; replaces lysine 295 with threonine.
Molecular consequence: missense variant.
Genome position (GRCh38, 1-based): chr16:53,673,015, T>G on the plus strand (A>C on the coding strand, the complement: RPGRIP1L is on the minus strand). VCF-style: chr16-53673015-T-G. GRCh37 (hg19) VCF-style: chr16-53706927-T-G.
Other names: c.884A>C, p.Lys295Thr (NM_001330538.2, NM_001127897.4, NM_001308334.3); c.884A>C (NM_015272.4); short protein forms K295T.
Identifiers: ClinVar variation 1061972 (VCV001061972.8), dbSNP rs2151246140, ClinGen allele CA395923059.

ClinVar aggregate classification (germline): Uncertain significance. Review status: criteria provided, multiple submitters, no conflicts (2 of 4 stars). 3 submissions from 3 submitters: Uncertain significance (2). 1 of the submissions does not count toward it. Last evaluated 2025-10-08.

Conditions:
Joubert syndrome. Also called: JOUBERT-BOLTSHAUSER SYNDROME; Familial aplasia of the vermis. Identifiers: Orphanet 475, MedGen C5979921, MONDO:0018772.
RPGRIP1L-related disorder. Also called: RPGRIP1L-related disorders; RPGRIP1L-related condition. Identifiers: MedGen CN239416.
Meckel-Gruber syndrome. Also called: Dysencephalia splachnocystica; DYSENCEPHALIA SPLANCHNOCYSTICA; GRUBER SYNDROME. Identifiers: Orphanet 564, MedGen C0265215, MONDO:0018921.

Submissions (3):

PreventionGenetics, part of Exact Sciences
Classification: Uncertain significance for RPGRIP1L-related condition. Last evaluated: 2025-10-08. Review status: criteria provided, single submitter. Criteria: ACMG Guidelines, 2015. Collection method: clinical testing. Allele origin: germline.
Comment: The RPGRIP1L c.884A>C variant is predicted to result in the amino acid substitution p.Lys295Thr. To our knowledge, this variant has not been reported in the literature or in a large population database (gnomAD), indicating this variant is rare. At this time, the clinical significance of this variant is uncertain due to the absence of conclusive functional and genetic evidence.

Labcorp Genetics (formerly Invitae), Labcorp
Classification: Uncertain significance for Joubert syndrome; Meckel-Gruber syndrome. Last evaluated: 2021-08-24. Review status: criteria provided, single submitter. Criteria: Invitae Variant Classification Sherloc (09022015). Collection method: clinical testing. Allele origin: germline.
Comment: This sequence change replaces lysine with threonine at codon 295 of the RPGRIP1L protein (p.Lys295Thr). The lysine residue is moderately conserved and there is a moderate physicochemical difference between lysine and threonine. This variant is not present in population databases (ExAC no frequency). This variant has not been reported in the literature in individuals affected with RPGRIP1L-related conditions. Algorithms developed to predict the effect of missense changes on protein structure and function (SIFT, PolyPhen-2, Align-GVGD) all suggest that this variant is likely to be tolerated. In summary, the available evidence is currently insufficient to determine the role of this variant in disease. Therefore, it has been classified as a Variant of Uncertain Significance.

Natera, Inc.
Classification: Uncertain significance for Joubert syndrome. Last evaluated: 2020-12-22. Review status: no assertion criteria provided. Collection method: clinical testing. Allele origin: germline. Not counted in ClinVar's aggregate classification.